The following is an entry in ClinVar:

ClinVar aggregate classification (germline): Uncertain significance (1 of 4 stars; one submission).

Conditions:
Hereditary cancer-predisposing syndrome. Also called: Neoplastic Syndromes, Hereditary; Tumor predisposition; Hereditary Cancer Syndrome; Hereditary neoplastic syndrome. Identifiers: Orphanet 140162, MedGen C0027672, MeSH D009386, MONDO:0015356.

gnomAD v4.1: 1 of 1,614,244 alleles (0.000062%); no homozygotes.

Submission:

Ambry Genetics
Classification: Uncertain significance for Hereditary cancer-predisposing syndrome. Last evaluated: 2025-07-14. Review status: criteria provided, single submitter. Criteria: Ambry Variant Classification Scheme 2023. Collection method: clinical testing. Allele origin: germline.
Comment: The p.D63Y variant (also known as c.187G>T), located in coding exon 1 of the CDKN1B gene, results from a G to T substitution at nucleotide position 187. The aspartic acid at codon 63 is replaced by tyrosine, an amino acid with highly dissimilar properties. This amino acid position is highly conserved in available vertebrate species. In addition, this alteration is predicted to be deleterious by in silico analysis. Since supporting evidence is limited at this time, the clinical significance of this alteration remains unclear.

NM_004064.5(CDKN1B):c.187G>T (p.Asp63Tyr)

Gene: CDKN1B (cyclin dependent kinase inhibitor 1B; plus strand). Cytogenetic location: 12p13.1.
Variant type: single nucleotide variant.
Coding change: c.187G>T on transcript NM_004064.5 (MANE Select); coding-DNA position 187, G replaced by T.
Protein change: p.Asp63Tyr; replaces aspartic acid 63 with tyrosine.
Molecular consequence: missense variant.
Genome position (GRCh38, 1-based): chr12:12,718,026, G>T. VCF-style: chr12-12718026-G-T. GRCh37 (hg19) VCF-style: chr12-12870960-G-T.
Other names: short protein forms D63Y.
Identifiers: ClinVar variation 1781870 (VCV001781870.3), dbSNP rs1477607353, ClinGen allele CA383969344.